The following is an entry in ClinVar:

NM_144670.6(A2ML1):c.252_256dup (p.Pro86fs)

Genes: A2ML1 (alpha-2-macroglobulin like 1; plus strand), A2ML1-AS1 (A2ML1 antisense RNA 1; minus strand). Cytogenetic location: 12p13.31.
Variant type: Duplication.
Coding change: c.252_256dup on transcript NM_144670.6 (MANE Select); coding-DNA positions 252 to 256, 5 bases duplicated (ACCTC; older notation c.252_256dupACCTC).
Protein change: p.Pro86fs; shifts the reading frame from proline 86.
Molecular consequence: frameshift variant.
Genome position (GRCh38, 1-based): chr12:8,823,725-8,823,729, ACCTC duplicated; duplicating any 5 consecutive bases within chr12:8,823,724-8,823,729 gives the same sequence; the c. name uses the placement nearest the transcript's 3' end. VCF-style (leftmost placement, unchanged base first): chr12-8823723-C-CCACCT. GRCh37 (hg19) VCF-style: chr12-8976319-C-CCACCT.
Other names: short protein forms P86fs.
Identifiers: ClinVar variation 3702591 (VCV003702591.2).

ClinVar aggregate classification (germline): Uncertain significance (1 of 4 stars; one submission).

Submission:

Labcorp Genetics (formerly Invitae), Labcorp
Classification: Uncertain significance. Last evaluated: 2024-10-30. Review status: criteria provided, single submitter. Criteria: Invitae Variant Classification Sherloc (09022015). Collection method: clinical testing. Allele origin: germline.
Comment: This sequence change creates a premature translational stop signal (p.Pro86Hisfs*31) in the A2ML1 gene. It is expected to result in an absent or disrupted protein product. However, the current clinical and genetic evidence is not sufficient to establish whether loss-of-function variants in A2ML1 cause disease. This variant is present in population databases (no rsID available, gnomAD 0.0009%). This variant has not been reported in the literature in individuals affected with A2ML1-related conditions. In summary, the available evidence is currently insufficient to determine the role of this variant in disease. Therefore, it has been classified as a Variant of Uncertain Significance.